The following is an entry in ClinVar:

ClinVar aggregate classification (germline): Uncertain significance. Review status: criteria provided, multiple submitters, no conflicts (2 of 4 stars). 2 submissions from 2 submitters: Uncertain significance (2). Last evaluated 2024-10-23.

Conditions:
Autosomal dominant hypocalcemia 1 (HYPOC1). Also called: HYPOCALCEMIA, FAMILIAL. Identifiers: MedGen C3715128, MONDO:0011013, OMIM 601198.
Familial hypocalciuric hypercalcemia (FHH). Also called: Familial benign hypercalcemia. Identifiers: Orphanet 405, MedGen C1809471, MONDO:0018458.
Nephrolithiasis/nephrocalcinosis. Identifiers: MedGen CN580796.

Allele frequency attached by ClinVar (database versions not stated): gnomAD exomes 0.00001.
gnomAD v4.1: 9 of 1,614,122 alleles (0.00056%); highest among the groups gnomAD compares: Non-Finnish European, 0.00076%; no homozygotes.

Submissions (2):

Labcorp Genetics (formerly Invitae), Labcorp
Classification: Uncertain significance for Familial hypocalciuric hypercalcemia; Autosomal dominant hypocalcemia 1. Last evaluated: 2024-10-23. Review status: criteria provided, single submitter. Criteria: Invitae Variant Classification Sherloc (09022015). Collection method: clinical testing. Allele origin: germline.
Comment: This sequence change replaces glutamic acid, which is acidic and polar, with glycine, which is neutral and non-polar, at codon 59 of the CASR protein (p.Glu59Gly). This variant is not present in population databases (gnomAD no frequency). This variant has not been reported in the literature in individuals affected with CASR-related conditions. ClinVar contains an entry for this variant (Variation ID: 1779750). An algorithm developed to predict the effect of missense changes on protein structure and function (PolyPhen-2) suggests that this variant is likely to be disruptive. In summary, the available evidence is currently insufficient to determine the role of this variant in disease. Therefore, it has been classified as a Variant of Uncertain Significance.

Ambry Genetics
Classification: Uncertain significance for Nephrolithiasis/nephrocalcinosis. Last evaluated: 2024-05-03. Review status: criteria provided, single submitter. Criteria: Ambry Variant Classification Scheme 2023. Collection method: clinical testing. Allele origin: germline.
Comment: The p.E59G variant (also known as c.176A>G), located in coding exon 1 of the CASR gene, results from an A to G substitution at nucleotide position 176. The glutamic acid at codon 59 is replaced by glycine, an amino acid with similar properties. This amino acid position is well conserved in available vertebrate species. In addition, the in silico prediction for this alteration is inconclusive. In addition, the evidence for the gene-disease relationship is limited for pancreatitis and cancer predisposition; therefore, the clinical significance of this variant for CASR-related pancreatitis and cancer predisposition is unclear. Based on the available evidence, the clinical significance of this variant remains unclear.

NM_000388.4(CASR):c.176A>G (p.Glu59Gly)

Gene: CASR (calcium sensing receptor; plus strand). Cytogenetic location: 3q21.1.
Variant type: single nucleotide variant.
Coding change: c.176A>G on transcript NM_000388.4 (MANE Select); coding-DNA position 176, A replaced by G.
Protein change: p.Glu59Gly; replaces glutamic acid 59 with glycine.
Molecular consequence: missense variant.
Genome position (GRCh38, 1-based): chr3:122,254,365, A>G. VCF-style: chr3-122254365-A-G. GRCh37 (hg19) VCF-style: chr3-121973212-A-G.
Other names: c.176A>G, p.Glu59Gly (NM_001178065.2); short protein forms E59G.
Identifiers: ClinVar variation 1779750 (VCV001779750.8), dbSNP rs2473205852, ClinGen allele CA354362295.